The following is an entry in ClinVar:

NM_015978.3(TNNI3K):c.161C>A (p.Ala54Asp)

Genes: FPGT-TNNI3K (FPGT-TNNI3K readthrough; plus strand), TNNI3K (TNNI3 interacting kinase; plus strand). Cytogenetic location: 1p31.1.
Variant type: single nucleotide variant.
Coding change: c.161C>A on transcript NM_015978.3 (MANE Select); coding-DNA position 161, C replaced by A.
Protein change: p.Ala54Asp; replaces alanine 54 with aspartic acid.
Molecular consequence: missense variant.
Genome position (GRCh38, 1-based): chr1:74,249,470, C>A. VCF-style: chr1-74249470-C-A. GRCh37 (hg19) VCF-style: chr1-74715154-C-A.
Other names: c.464C>A, p.Ala155Asp (NM_001112808.3, NM_001199327.2); short protein forms A155D, A54D.
Identifiers: ClinVar variation 3650728 (VCV003650728.2).

ClinVar aggregate classification (germline): Uncertain significance (1 of 4 stars; one submission).

Submission:

Labcorp Genetics (formerly Invitae), Labcorp
Classification: Uncertain significance. Last evaluated: 2024-05-21. Review status: criteria provided, single submitter. Criteria: Invitae Variant Classification Sherloc (09022015). Collection method: clinical testing. Allele origin: germline.
Comment: This sequence change replaces alanine, which is neutral and non-polar, with aspartic acid, which is acidic and polar, at codon 54 of the TNNI3K protein (p.Ala54Asp). This variant is not present in population databases (gnomAD no frequency). This variant has not been reported in the literature in individuals affected with TNNI3K-related conditions. Advanced modeling of protein sequence and biophysical properties (such as structural, functional, and spatial information, amino acid conservation, physicochemical variation, residue mobility, and thermodynamic stability) performed at Invitae indicates that this missense variant is not expected to disrupt TNNI3K protein function with a negative predictive value of 80%. In summary, the available evidence is currently insufficient to determine the role of this variant in disease. Therefore, it has been classified as a Variant of Uncertain Significance.